The following is an entry in ClinVar:

NM_000222.3(KIT):c.45C>T (p.Leu15=)

Gene: KIT (KIT proto-oncogene, receptor tyrosine kinase; plus strand). Cytogenetic location: 4q12.
Variant type: single nucleotide variant.
Coding change: c.45C>T on transcript NM_000222.3 (MANE Select); coding-DNA position 45, C replaced by T.
Protein change: p.Leu15=; no amino-acid change (leucine 15 retained).
Molecular consequence: synonymous variant.
Genome position (GRCh38, 1-based): chr4:54,658,059, C>T. VCF-style: chr4-54658059-C-T. GRCh37 (hg19) VCF-style: chr4-55524226-C-T.
Other names: c.45C>T, p.Leu15= (NM_001093772.2, NM_001385284.1, NM_001385285.1 and 4 more transcripts).
Identifiers: ClinVar variation 415820 (VCV000415820.15), dbSNP rs755527973, ClinGen allele CA2923115.

ClinVar aggregate classification (germline): Benign/Likely benign. Review status: criteria provided, multiple submitters, no conflicts (2 of 4 stars). 3 submissions from 3 submitters: Benign (1); Likely benign (2). Last evaluated 2026-06-02.

Conditions:
Gastrointestinal stromal tumor. Also called: Gastrointestinal stroma tumor; Gastrointestinal stromal tumor, somatic. Identifiers: Orphanet 44890, MedGen C0238198, MeSH D046152, MONDO:0011719, OMIM 606764, HP:0100723.
Hereditary cancer-predisposing syndrome. Also called: Neoplastic Syndromes, Hereditary; Hereditary Cancer Syndrome; Hereditary neoplastic syndrome; Tumor predisposition. Identifiers: Orphanet 140162, MedGen C0027672, MeSH D009386, MONDO:0015356.

Allele frequency attached by ClinVar (database versions not stated): gnomAD exomes below 0.00001; ExAC 0.00001; gnomAD 0.00001; TOPMed 0.00001.
gnomAD v4.1: 4 of 1,613,726 alleles (0.00025%); highest among the groups gnomAD compares: African/African-American, 0.0027%; no homozygotes.

Submissions (3):

Myriad Genetics, Inc.
Classification: Benign for Gastrointestinal stromal tumor. Last evaluated: 2026-06-02. Review status: criteria provided, single submitter. Criteria: Myriad Autosomal Dominant, Autosomal Recessive and X-Linked Classification Criteria (2023). Collection method: clinical testing. Allele origin: unknown.
Comment: This variant is considered benign. This variant is a silent/synonymous amino acid change and it is not expected to impact splicing.

Labcorp Genetics (formerly Invitae), Labcorp
Classification: Likely benign for Gastrointestinal stromal tumor. Last evaluated: 2025-03-06. Review status: criteria provided, single submitter. Criteria: Invitae Variant Classification Sherloc (09022015). Collection method: clinical testing. Allele origin: germline.

Ambry Genetics
Classification: Likely benign for Hereditary cancer-predisposing syndrome. Last evaluated: 2019-06-21. Review status: criteria provided, single submitter. Criteria: Ambry Variant Classification Scheme 2023. Collection method: clinical testing. Allele origin: germline.